The following is an entry in ClinVar:

NM_014112.5(TRPS1):c.1558AAG[1] (p.Lys521del)

Gene: TRPS1 (transcriptional repressor GATA binding 1; minus strand). Cytogenetic location: 8q23.3.
Variant type: Microsatellite.
Coding change: c.1558AAG[1] on transcript NM_014112.5 (MANE Select); one copy of the 3-base unit AAG starting at c.1558; the reference has two copies in a row; one copy, 3 bases deleted.
Protein change: p.Lys521del; deletes lysine 521.
Molecular consequence: inframe deletion.
Genome position (GRCh38, 1-based): chr8:115,604,406-115,604,408, CTT deleted on the plus strand (AAG on the coding strand, the reverse complement: TRPS1 is on the minus strand); deleting any 3 consecutive bases within chr8:115,604,406-115,604,411 gives the same sequence; the position shown is the placement nearest the transcript's 3' end. VCF-style (leftmost placement, unchanged base first): chr8-115604405-CCTT-C. GRCh37 (hg19) VCF-style: chr8-116616632-CCTT-C.
Other names: c.1531AAG[1], p.Lys512del (NM_001282902.3); c.1537AAG[1], p.Lys514del (NM_001282903.3); c.1519AAG[1], p.Lys508del (NM_001330599.2); short protein forms K508del, K512del, K514del, K521del.
Identifiers: ClinVar variation 2175002 (VCV002175002.4), dbSNP rs749706431, ClinGen allele CA4851806.

ClinVar aggregate classification (germline): Uncertain significance (1 of 4 stars; one submission).

Conditions:
Trichorhinophalangeal dysplasia type I (TRPS1). Also called: TRPS I; TRICHORHINOPHALANGEAL SYNDROME, TYPE I. Identifiers: Orphanet 77258, MedGen C0432233, MONDO:0008596, OMIM 190350.
Trichorhinophalangeal syndrome, type III (TRPS3). Also called: SUGIO-KAJII SYNDROME. Identifiers: Orphanet 77258, MedGen C1860823, OMIM 190351, MONDO:0008597.

Submission:

Labcorp Genetics (formerly Invitae), Labcorp
Classification: Uncertain significance for Trichorhinophalangeal syndrome, type III; Trichorhinophalangeal dysplasia type I. Last evaluated: 2022-05-13. Review status: criteria provided, single submitter. Criteria: Invitae Variant Classification Sherloc (09022015). Collection method: clinical testing. Allele origin: germline.
Comment: This variant, c.1561_1563del, results in the deletion of 1 amino acid(s) of the TRPS1 protein (p.Lys521del), but otherwise preserves the integrity of the reading frame. This variant is present in population databases (rs749706431, gnomAD 0.006%). This variant has not been reported in the literature in individuals affected with TRPS1-related conditions. In summary, the available evidence is currently insufficient to determine the role of this variant in disease. Therefore, it has been classified as a Variant of Uncertain Significance.